The following is an entry in ClinVar:

NM_020778.5(ALPK3):c.3266G>C (p.Ser1089Thr)

Gene: ALPK3 (alpha kinase 3; plus strand). Cytogenetic location: 15q25.3.
Variant type: single nucleotide variant.
Coding change: c.3266G>C on transcript NM_020778.5 (MANE Select); coding-DNA position 3266, G replaced by C.
Protein change: p.Ser1089Thr; replaces serine 1089 with threonine.
Molecular consequence: missense variant.
Genome position (GRCh38, 1-based): chr15:84,858,004, G>C. VCF-style: chr15-84858004-G-C. GRCh37 (hg19) VCF-style: chr15-85401235-G-C.
Other names: c.3872G>C (NM_020778.4); short protein forms S1089T.
Identifiers: ClinVar variation 4778477 (VCV004778477.2).

ClinVar aggregate classification (germline): Uncertain significance. Review status: criteria provided, multiple submitters, no conflicts (2 of 4 stars). 2 submissions from 2 submitters: Uncertain significance (2). Last evaluated 2026-04-11.

Conditions:
Cardiovascular phenotype. Identifiers: MedGen CN230736.

gnomAD v4.1: 4 of 1,596,492 alleles (0.00025%); highest among the groups gnomAD compares: Non-Finnish European, 0.00034%; no homozygotes.

Submissions (2):

Ambry Genetics
Classification: Uncertain significance for Cardiovascular phenotype. Last evaluated: 2026-04-11. Review status: criteria provided, single submitter. Criteria: Ambry Variant Classification Scheme 2023. Collection method: clinical testing. Allele origin: germline.
Comment: The p.S1291T variant (also known as c.3872G>C), located in coding exon 6 of the ALPK3 gene, results from a G to C substitution at nucleotide position 3872. The serine at codon 1291 is replaced by threonine, an amino acid with similar properties. This amino acid position is conserved. In addition, this alteration is predicted to be tolerated by in silico analysis. Based on the available evidence, the clinical significance of this variant remains unclear.

Labcorp Genetics (formerly Invitae), Labcorp
Classification: Uncertain significance. Last evaluated: 2026-01-18. Review status: criteria provided, single submitter. Criteria: Invitae Variant Classification Sherloc (09022015). Collection method: clinical testing. Allele origin: germline.
Comment: This sequence change replaces serine, which is neutral and polar, with threonine, which is neutral and polar, at codon 1291 of the ALPK3 protein (p.Ser1291Thr). This variant is not present in population databases (gnomAD no frequency). This variant has not been reported in the literature in individuals affected with ALPK3-related conditions. An algorithm developed to predict the effect of missense changes on protein structure and function (PolyPhen-2) suggests that this variant is likely to be tolerated. In summary, the available evidence is currently insufficient to determine the role of this variant in disease. Therefore, it has been classified as a Variant of Uncertain Significance.